The following is an entry in ClinVar:

NM_182746.3(MCM4):c.416T>C (p.Ile139Thr)

Gene: MCM4 (minichromosome maintenance complex component 4; plus strand). Cytogenetic location: 8q11.21.
Variant type: single nucleotide variant.
Coding change: c.416T>C on transcript NM_182746.3 (MANE Select); coding-DNA position 416, T replaced by C.
Protein change: p.Ile139Thr; replaces isoleucine 139 with threonine.
Molecular consequence: missense variant.
Genome position (GRCh38, 1-based): chr8:47,962,321, T>C. VCF-style: chr8-47962321-T-C. GRCh37 (hg19) VCF-style: chr8-48874881-T-C.
Other names: c.416T>C, p.Ile139Thr (NM_005914.4); short protein forms I139T.
Identifiers: ClinVar variation 1513348 (VCV001513348.5), dbSNP rs753494052, ClinGen allele CA4742297.

ClinVar aggregate classification (germline): Uncertain significance (1 of 4 stars; one submission).

Allele frequency attached by ClinVar (database versions not stated): gnomAD exomes below 0.00001; ExAC 0.00002.
gnomAD v4.1: 10 of 1,614,066 alleles (0.00062%); highest among the groups gnomAD compares: Admixed American, 0.0017%; no homozygotes.

Submission:

Labcorp Genetics (formerly Invitae), Labcorp
Classification: Uncertain significance. Last evaluated: 2021-08-27. Review status: criteria provided, single submitter. Criteria: Invitae Variant Classification Sherloc (09022015). Collection method: clinical testing. Allele origin: germline.
Comment: This sequence change replaces isoleucine with threonine at codon 139 of the MCM4 protein (p.Ile139Thr). The isoleucine residue is weakly conserved and there is a moderate physicochemical difference between isoleucine and threonine. This variant is present in population databases (rs753494052, ExAC 0.003%). This variant has not been reported in the literature in individuals affected with MCM4-related conditions. Algorithms developed to predict the effect of missense changes on protein structure and function output the following: SIFT: "Tolerated"; PolyPhen-2: "Benign"; Align-GVGD: "Class C0". The threonine amino acid residue is found in multiple mammalian species, which suggests that this missense change does not adversely affect protein function. In summary, the available evidence is currently insufficient to determine the role of this variant in disease. Therefore, it has been classified as a Variant of Uncertain Significance.